The following is an entry in ClinVar:

ClinVar aggregate classification (germline): Pathogenic. Review status: criteria provided, multiple submitters, no conflicts (2 of 4 stars). 6 submissions from 6 submitters: Pathogenic (5). 1 of the submissions does not count toward it. Last evaluated 2025-07-01.

Conditions:
Intellectual disability, autosomal dominant 14 (CSS2). Also called: COFFIN-SIRIS SYNDROME 2. Identifiers: Orphanet 1465, MedGen C3553247, MONDO:0013819, OMIM 614607.
Coffin-Siris syndrome 1 (CSS1). Also called: Mental retardation, autosomal dominant 12; ARID1B-Related Coffin-Siris Syndrome. Identifiers: Orphanet 1465, MedGen C3281201, MONDO:0007617, OMIM 135900. Disease mechanism: gain of function.

Submissions (6):

CeGaT Center for Human Genetics Tuebingen
Classification: Pathogenic. Last evaluated: 2025-07-01. Review status: criteria provided, single submitter. Criteria: CeGaT Center For Human Genetics Tuebingen Variant Classification Criteria Version 2. Collection method: clinical testing. Allele origin: germline. Affected: yes. Observed: 1 variant allele.
Comment: ARID1A: PVS1, PM2, PS2:Moderate

Greenwood Genetic Center Diagnostic Laboratories, Greenwood Genetic Center
Classification: Pathogenic for Intellectual disability, autosomal dominant 14. Last evaluated: 2024-04-19. Review status: criteria provided, single submitter. Criteria: ACMG Guidelines, 2015. Collection method: clinical testing. Allele origin: germline. Affected: yes.
Comment: PVS1, PS4_Moderate, PM2

Illumina Laboratory Services, Illumina
Classification: Pathogenic for Coffin-Siris syndrome 1. Last evaluated: 2023-05-15. Review status: criteria provided, single submitter. Criteria: ICSLVariantClassificationCriteria RUGD 01 April 2020. Collection method: clinical testing. Allele origin: unknown.
Comment: The ARID1A c.31_56del (p.Ser11AlafsTer91) variant causes a shift in the protein reading frame that is predicted to result in premature termination of the protein. Loss of normal protein function through either protein truncation or nonsense-mediated mRNA decay is expected. This variant has been reported in one individual with Coffin-Siris syndrome, in whom parental samples were unavailable to confirm the de novo status of the variant (PMID: 22426308; 25168959). The p.Ser11AlafsTer91 variant is not observed in version 2.1.1 or version 3.1.2 of the Genome Aggregation Database. This variant was identified in a de novo state. Based on the available evidence, the c.31_56del (p.Ser11AlafsTer91) variant is classified as pathogenic for Coffin-Siris syndrome.

GeneDx
Classification: Pathogenic. Last evaluated: 2022-03-22. Review status: criteria provided, single submitter. Criteria: GeneDx Variant Classification Process June 2021. Collection method: clinical testing. Allele origin: germline. Affected: yes.
Comment: Identified in a patient with Coffin-Siris syndrome in the published literature (Tsurusaki et al., 2012; Kosho et al., 2014); Frameshift variant predicted to result in protein truncation or nonsense mediated decay in a gene for which loss of function is a known mechanism of disease; Not observed at significant frequency in large population cohorts (gnomAD); This variant is associated with the following publications: (PMID: 25168959, 24090879, 27082517, 22426308)

Genetic Services Laboratory, University of Chicago
Classification: Pathogenic for Mental retardation, autosomal dominant 14. Last evaluated: 2015-06-02. Review status: criteria provided, single submitter. Criteria: ACMG Guidelines, 2015. Collection method: clinical testing. Allele origin: germline. Affected: yes.

OMIM
Classification: Pathogenic for COFFIN-SIRIS SYNDROME 2. Last evaluated: 2012-03-18. Review status: no assertion criteria provided. Collection method: literature only. Allele origin: germline. Not counted in ClinVar's aggregate classification.

Literature cited by the submitters: PubMed 22426308 (cited by Illumina Laboratory Services, Illumina and OMIM); PubMed 25168959 (cited by Illumina Laboratory Services, Illumina).

NM_006015.6(ARID1A):c.31_56del (p.Ser11fs)

Gene: ARID1A (AT-rich interaction domain 1A; plus strand). Cytogenetic location: 1p36.11.
Variant type: Deletion.
Coding change: c.31_56del on transcript NM_006015.6 (MANE Select); coding-DNA positions 31 to 56, 26 bases deleted (AGCAGCCTGGGCAACCCGCCGCCGCC).
Protein change: p.Ser11fs; shifts the reading frame from serine 11.
Molecular consequence: frameshift variant.
Genome position (GRCh38, 1-based): chr1:26,696,434-26,696,459, AGCAGCCTGGGCAACCCGCCGCCGCC deleted; deleting any 26 consecutive bases within chr1:26,696,422-26,696,459 gives the same sequence; the c. name uses the placement nearest the transcript's 3' end. VCF-style (leftmost placement, unchanged base first): chr1-26696421-CCCCGCCGCCGCCAGCAGCCTGGGCAA-C. GRCh37 (hg19) VCF-style: chr1-27022912-CCCCGCCGCCGCCAGCAGCCTGGGCAA-C.
Other names: c.31_56del (LRG_875t1); c.31_56delAGCAGCCTGGGCAACCCGCCGCCGCC (NM_006015.4); c.31_56del, p.Ser11fs (NM_139135.4); short protein forms S11fs.
Identifiers: ClinVar variation 30292 (VCV000030292.19), dbSNP rs797045262, ClinGen allele CA209547.